The following is an entry in ClinVar:

NC_000002.11:g.(?_166929868)_(167056374_?)dup

Genes: SCN9A (sodium voltage-gated channel alpha subunit 9; minus strand), SCN1A (sodium voltage-gated channel alpha subunit 1; minus strand), SCN1A-AS1 (SCN1A and SCN9A antisense RNA 1; plus strand). Cytogenetic location: 2q24.3.
Variant type: Duplication.
Identifiers: ClinVar variation 584051 (VCV000584051.4).

ClinVar aggregate classification (germline): Uncertain significance. Review status: criteria provided, single submitter (1 of 4 stars). 2 submissions from 1 submitter: Uncertain significance (2). Last evaluated 2018-07-05.

Conditions:
Generalized epilepsy with febrile seizures plus, type 7 (GEFSP7). Also called: GEFS+, TYPE 7. Identifiers: Orphanet 36387, MedGen C2751778, MONDO:0013470, OMIM 613863.
Neuropathy, hereditary sensory and autonomic, type 2A (HSAN2A). Also called: HSAN IIA; MORVAN DISEASE; NEUROPATHY, CONGENITAL SENSORY; NEUROPATHY, HEREDITARY SENSORY RADICULAR, AUTOSOMAL RECESSIVE; NEUROPATHY, HEREDITARY SENSORY, TYPE IIA; NEUROPATHY, PROGRESSIVE SENSORY, OF CHILDREN. Identifiers: Orphanet 970, MedGen C2752089, MONDO:0024309, OMIM 201300.
Developmental and epileptic encephalopathy. Identifiers: MedGen C5779964, MONDO:0100620.

Submissions (2):

Labcorp Genetics (formerly Invitae), Labcorp
Classification: Uncertain significance for Early infantile epileptic encephalopathy. Last evaluated: 2018-07-05. Review status: criteria provided, single submitter. Criteria: Invitae Variant Classification Sherloc (09022015). Collection method: clinical testing. Allele origin: germline.
Comment: This variant results in a copy number gain of the genomic region encompassing exon 1 of the SCN1A gene. The 5' end of this event is unknown as it extends beyond the assayed region for this gene and therefore may encompass additional genes. The 3' boundary is likely confined to intron 1 of the SCN1A gene. As the precise location of this event is unknown, it may be in tandem or it may be located elsewhere in the genome. A similar copy number gain of exon 1 has been reported in an individual affected with generalized epilepsy with or without febrile seizures (PMID: 28202706). In summary, the available evidence is currently insufficient to determine the role of this variant in disease. Therefore, it has been classified as a Variant of Uncertain Significance.

Labcorp Genetics (formerly Invitae), Labcorp
Classification: Uncertain significance for Neuropathy, hereditary sensory and autonomic, type 2A; Generalized epilepsy with febrile seizures plus, type 7. Last evaluated: 2018-06-11. Review status: criteria provided, single submitter. Criteria: Invitae Variant Classification Sherloc (09022015). Collection method: clinical testing. Allele origin: germline.
Comment: This variant results in a copy number gain of the genomic region encompassing exon 27 of the SCN9A gene. The 5' boundary is likely confined to intron 26. The 3' end of this event is unknown as it extends beyond the assayed region for this gene and therefore may encompass additional genes. As the precise location of this event is unknown, it may be in tandem or it may be located elsewhere in the genome. This variant has not been reported in the literature in individuals with SCN9A-related disease. In summary, the available evidence is currently insufficient to determine the role of this variant in disease. Therefore, it has been classified as a Variant of Uncertain Significance.

Literature cited by the submitters: PubMed 28202706.